The following is an entry in ClinVar:

ClinVar aggregate classification (germline): Uncertain significance. Review status: criteria provided, multiple submitters, no conflicts (2 of 4 stars). 2 submissions from 2 submitters: Uncertain significance (2). Last evaluated 2025-02-03.

Conditions:
Inborn genetic diseases. Identifiers: MedGen C0950123, MeSH D030342.

Allele frequency attached by ClinVar (database versions not stated): TOPMed 0.00003; gnomAD 0.00005; ExAC 0.00007; gnomAD exomes 0.00007; ESP Exome Variant Server 0.00015; 1000 Genomes Project 30x 0.00016; 1000 Genomes Project 0.00020.
gnomAD v4.1: 112 of 1,606,150 alleles (0.007%); highest among the groups gnomAD compares: Middle Eastern, 0.099%; no homozygotes.

Submissions (2):

Labcorp Genetics (formerly Invitae), Labcorp
Classification: Uncertain significance. Last evaluated: 2025-02-03. Review status: criteria provided, single submitter. Criteria: Invitae Variant Classification Sherloc (09022015). Collection method: clinical testing. Allele origin: germline.
Comment: This sequence change replaces isoleucine, which is neutral and non-polar, with threonine, which is neutral and polar, at codon 57 of the PRDX1 protein (p.Ile57Thr). This variant is present in population databases (rs142590526, gnomAD 0.02%). This variant has not been reported in the literature in individuals affected with PRDX1-related conditions. ClinVar contains an entry for this variant (Variation ID: 2420873). An algorithm developed to predict the effect of missense changes on protein structure and function (PolyPhen-2) suggests that this variant is likely to be disruptive. In summary, the available evidence is currently insufficient to determine the role of this variant in disease. Therefore, it has been classified as a Variant of Uncertain Significance.

Ambry Genetics
Classification: Uncertain significance for Inborn genetic diseases. Last evaluated: 2022-08-08. Review status: criteria provided, single submitter. Criteria: Ambry Variant Classification Scheme 2023. Collection method: clinical testing. Allele origin: germline.

NM_181697.3(PRDX1):c.170T>C (p.Ile57Thr)

Gene: PRDX1 (peroxiredoxin 1; minus strand). Cytogenetic location: 1p34.1.
Variant type: single nucleotide variant.
Coding change: c.170T>C on transcript NM_181697.3 (MANE Select); coding-DNA position 170, T replaced by C.
Protein change: p.Ile57Thr; replaces isoleucine 57 with threonine.
Molecular consequence: missense variant.
Genome position (GRCh38, 1-based): chr1:45,515,744, A>G on the plus strand (T>C on the coding strand, the complement: PRDX1 is on the minus strand). VCF-style: chr1-45515744-A-G. GRCh37 (hg19) VCF-style: chr1-45981416-A-G.
Other names: c.170T>C, p.Ile57Thr (NM_001202431.2, NM_002574.4, NM_181696.3); c.170T>C (NM_002574.3); short protein forms I57T.
Identifiers: ClinVar variation 2420873 (VCV002420873.6), dbSNP rs142590526, ClinGen allele CA828057.
Genomic context (GRCh38, chr1:45,515,744, plus strand): 5'-GAAGCACCAATCACTTGGCAGTTGAGTTTCTTAAATTCTTCTGCCCTATCACTGAAAGCA[A>G]TGATCTCCGTGGGGCACACAAAGGTGAAGTCAAGAGGGTAAAAGAAGAACACAACATATT-3'
Protein context (NP_859048.1, residues 47-67): DFTFVCPTEI[Ile57Thr]AFSDRAEEFK